The following is an entry in ClinVar:

ClinVar aggregate classification (germline): Likely benign (0 of 4 stars; one submission).

Conditions:
HAAO-related disorder. Also called: HAAO-related condition.

Allele frequency attached by ClinVar (database versions not stated): gnomAD exomes 0.00017; ExAC 0.00056; 1000 Genomes Project 0.00060; 1000 Genomes Project 30x 0.00078; gnomAD 0.00172; TOPMed 0.00197; ESP Exome Variant Server 0.00238.
gnomAD v4.1: 522 of 1,614,052 alleles (0.032%); highest among the groups gnomAD compares: African/African-American, 0.62%; 3 homozygotes.

Submission:

PreventionGenetics, part of Exact Sciences
Classification: Likely benign for HAAO-related condition. Last evaluated: 2024-02-08. Review status: no assertion criteria provided. Collection method: clinical testing. Allele origin: germline.
Comment: This variant is classified as likely benign based on ACMG/AMP sequence variant interpretation guidelines (Richards et al. 2015 PMID: 25741868, with internal and published modifications).

NM_012205.3(HAAO):c.576G>A (p.Arg192=)

Gene: HAAO (3-hydroxyanthranilate 3,4-dioxygenase; minus strand). Cytogenetic location: 2p21.
Variant type: single nucleotide variant.
Coding change: c.576G>A on transcript NM_012205.3 (MANE Select); coding-DNA position 576, G replaced by A.
Protein change: p.Arg192=; no amino-acid change (arginine 192 retained).
Molecular consequence: synonymous variant.
Genome position (GRCh38, 1-based): chr2:42,769,767, C>T on the plus strand (G>A on the coding strand, the complement: HAAO is on the minus strand). VCF-style: chr2-42769767-C-T. GRCh37 (hg19) VCF-style: chr2-42996907-C-T.
Identifiers: ClinVar variation 3048637 (VCV003048637.2), dbSNP rs145337403, ClinGen allele CA1630960.